The following is an entry in ClinVar:

ClinVar aggregate classification (germline): Uncertain significance. Review status: criteria provided, multiple submitters, no conflicts (2 of 4 stars). 2 submissions from 2 submitters: Uncertain significance (2). Last evaluated 2025-07-22.

Conditions:
Inborn genetic diseases. Identifiers: MedGen C0950123, MeSH D030342.

gnomAD v4.1: 81 of 1,613,232 alleles (0.005%); highest among the groups gnomAD compares: East Asian, 0.029%; no homozygotes.

Submissions (2):

Ambry Genetics
Classification: Uncertain significance for Inborn genetic diseases. Last evaluated: 2025-07-22. Review status: criteria provided, single submitter. Criteria: Ambry Variant Classification Scheme 2023. Collection method: clinical testing. Allele origin: germline.

Labcorp Genetics (formerly Invitae), Labcorp
Classification: Uncertain significance. Last evaluated: 2024-11-23. Review status: criteria provided, single submitter. Criteria: Invitae Variant Classification Sherloc (09022015). Collection method: clinical testing. Allele origin: germline.
Comment: This sequence change replaces arginine, which is basic and polar, with cysteine, which is neutral and slightly polar, at codon 787 of the ITGB4 protein (p.Arg787Cys). This variant is present in population databases (rs150184884, gnomAD 0.05%). This variant has not been reported in the literature in individuals affected with ITGB4-related conditions. Invitae Evidence Modeling of protein sequence and biophysical properties (such as structural, functional, and spatial information, amino acid conservation, physicochemical variation, residue mobility, and thermodynamic stability) indicates that this missense variant is not expected to disrupt ITGB4 protein function with a negative predictive value of 80%. In summary, the available evidence is currently insufficient to determine the role of this variant in disease. Therefore, it has been classified as a Variant of Uncertain Significance.

NM_000213.5(ITGB4):c.2359C>T (p.Arg787Cys)

Gene: ITGB4 (integrin subunit beta 4; plus strand). Cytogenetic location: 17q25.1.
Variant type: single nucleotide variant.
Coding change: c.2359C>T on transcript NM_000213.5 (MANE Select); coding-DNA position 2359, C replaced by T.
Protein change: p.Arg787Cys; replaces arginine 787 with cysteine.
Molecular consequence: missense variant.
Genome position (GRCh38, 1-based): chr17:75,739,984, C>T. VCF-style: chr17-75739984-C-T. GRCh37 (hg19) VCF-style: chr17-73736065-C-T.
Other names: c.2359C>T, p.Arg787Cys (NM_001005619.2, NM_001005731.3, NM_001321123.2); c.2359C>T (NM_001005731.1); short protein forms R787C.
Identifiers: ClinVar variation 3713737 (VCV003713737.2).